The following is an entry in ClinVar:

ClinVar aggregate classification (germline): Pathogenic (1 of 4 stars; one submission).

Conditions:
HIVEP2-related disorder. Also called: HIVEP2-related condition.
Intellectual developmental disorder, autosomal dominant 43. Also called: Intellectual disability, autosomal dominant 43. Identifiers: MedGen C4707429, MONDO:0014858, OMIM 616977.

Submission:

GeneDx
Classification: Pathogenic. Last evaluated: 2024-12-10. Review status: criteria provided, single submitter. Criteria: GeneDx Variant Classification Process June 2021. Collection method: clinical testing. Allele origin: germline. Affected: yes.
Comment: Not observed at significant frequency in large population cohorts (gnomAD); In silico analysis supports that this missense variant has a deleterious effect on protein structure/function; This variant is associated with the following publications: (PMID: 27003583, 33057194, 35982159, 34704275)

NM_006734.4(HIVEP2):c.1189G>T (p.Asp397Tyr)

Gene: HIVEP2 (HIVEP zinc finger 2; minus strand). Cytogenetic location: 6q24.2.
Variant type: single nucleotide variant.
Coding change: c.1189G>T on transcript NM_006734.4 (MANE Select); coding-DNA position 1189, G replaced by T.
Protein change: p.Asp397Tyr; replaces aspartic acid 397 with tyrosine.
Molecular consequence: missense variant.
Genome position (GRCh38, 1-based): chr6:142,773,550, C>A on the plus strand (G>T on the coding strand, the complement: HIVEP2 is on the minus strand). VCF-style: chr6-142773550-C-A. GRCh37 (hg19) VCF-style: chr6-143094687-C-A.
Other names: short protein forms D397Y.
Identifiers: ClinVar variation 224798 (VCV000224798.6), dbSNP rs869312847, ClinGen allele CA358392.